The following is an entry in ClinVar:

ClinVar aggregate classification (germline): Likely pathogenic (1 of 4 stars; one submission).

Conditions:
ALG1-congenital disorder of glycosylation. Also called: ALG1-CDG; CONGENITAL DISORDER OF GLYCOSYLATION, TYPE Ik; CDG Ik. Identifiers: Orphanet 79327, MedGen C2931005, MONDO:0012052, OMIM 608540.

Submission:

Labcorp Genetics (formerly Invitae), Labcorp
Classification: Likely pathogenic for ALG1-congenital disorder of glycosylation. Last evaluated: 2023-05-30. Review status: criteria provided, single submitter. Criteria: Invitae Variant Classification Sherloc (09022015). Collection method: clinical testing. Allele origin: germline.
Comment: This sequence change affects a donor splice site in intron 10 of the ALG1 gene. It is expected to disrupt RNA splicing. Variants that disrupt the donor or acceptor splice site typically lead to a loss of protein function (PMID: 16199547), and loss-of-function variants in ALG1 are known to be pathogenic (PMID: 20679665, 23806237). This variant is not present in population databases (gnomAD no frequency). This variant has not been reported in the literature in individuals affected with ALG1-related conditions. Algorithms developed to predict the effect of sequence changes on RNA splicing suggest that this variant may disrupt the consensus splice site. In summary, the currently available evidence indicates that the variant is pathogenic, but additional data are needed to prove that conclusively. Therefore, this variant has been classified as Likely Pathogenic.

Literature cited by the submitters: PubMed 16199547; PubMed 20679665; PubMed 23806237.

NM_019109.5(ALG1):c.1072+1G>T

Gene: ALG1 (ALG1 chitobiosyldiphosphodolichol beta-mannosyltransferase; plus strand). Cytogenetic location: 16p13.3.
Variant type: single nucleotide variant.
Coding change: c.1072+1G>T on transcript NM_019109.5 (MANE Select); the canonical splice donor site of the intron after coding-DNA position 1072, G replaced by T.
Molecular consequence: splice donor variant.
Genome position (GRCh38, 1-based): chr16:5,081,057, G>T. VCF-style: chr16-5081057-G-T. GRCh37 (hg19) VCF-style: chr16-5131058-G-T.
Other names: c.739+1G>T (NM_001330504.2).
Identifiers: ClinVar variation 2752361 (VCV002752361.3), dbSNP rs1957010104, ClinGen allele CA394673161.